The following is an entry in ClinVar:

ClinVar aggregate classification (germline): Uncertain significance (1 of 4 stars; one submission).

Submission:

GeneDx
Classification: Uncertain significance. Last evaluated: 2022-11-08. Review status: criteria provided, single submitter. Criteria: GeneDx Variant Classification Process June 2021. Collection method: clinical testing. Allele origin: germline. Affected: yes.
Comment: Not observed at significant frequency in large population cohorts (gnomAD); In silico analysis supports that this missense variant does not alter protein structure/function; Has not been previously published as pathogenic or benign to our knowledge

NM_020937.4(FANCM):c.3160C>G (p.Leu1054Val)

Gene: FANCM (FA complementation group M; plus strand). Cytogenetic location: 14q21.2.
Variant type: single nucleotide variant.
Coding change: c.3160C>G on transcript NM_020937.4 (MANE Select); coding-DNA position 3160, C replaced by G.
Protein change: p.Leu1054Val; replaces leucine 1054 with valine.
Molecular consequence: missense variant.
Genome position (GRCh38, 1-based): chr14:45,175,914, C>G. VCF-style: chr14-45175914-C-G. GRCh37 (hg19) VCF-style: chr14-45645117-C-G.
Other names: c.3082C>G, p.Leu1028Val (NM_001308133.2); short protein forms L1028V, L1054V.
Identifiers: ClinVar variation 2501311 (VCV002501311.1), dbSNP rs2503187763, ClinGen allele CA389600025.